The following is an entry in ClinVar:

ClinVar aggregate classification (germline): Pathogenic (1 of 4 stars; one submission).

Conditions:
Fanconi anemia (FA). Also called: Fanconi's anemia. Identifiers: Orphanet 84, MedGen C0015625, MeSH D005199, MONDO:0019391.

Submission:

Labcorp Genetics (formerly Invitae), Labcorp
Classification: Pathogenic for Fanconi anemia. Last evaluated: 2016-03-16. Review status: criteria provided, single submitter. Criteria: Invitae Variant Classification Sherloc (09022015). Collection method: clinical testing. Allele origin: germline.
Comment: This variant is a gross deletion of the genomic region encompassing exons 2-18 of the FANCD2 gene, which includes the initiator codon. The 5' end of this event is unknown as it extends beyond the assayed region for this gene and therefore may encompass additional genes. The 3' boundary is likely confined to intron 18 of the FANCD2 gene. While this particular variant has not been reported in the literature, gross deletions and truncating variants in FANCD2 are known to be pathogenic (PMID: 17436244). For these reasons, this variant has been classified as Pathogenic.

NM_033084.4(FANCD2):c.-33-?_1098+?del

Gene: FANCD2 (FA complementation group D2; plus strand).
Variant type: Deletion.
Coding change: c.-33-?_1098+?del on transcript NM_033084.4.
Other names: c.-33-?_1098+?del (LRG_306t2).
Identifiers: ClinVar variation 254088 (VCV000254088.1).